The following is an entry in ClinVar:

NM_001395413.1(POR):c.1540C>T (p.Arg514Cys)

Gene: POR (cytochrome p450 oxidoreductase; plus strand). Cytogenetic location: 7q11.23.
Variant type: single nucleotide variant.
Coding change: c.1540C>T on transcript NM_001395413.1 (MANE Select); coding-DNA position 1540, C replaced by T.
Protein change: p.Arg514Cys; replaces arginine 514 with cysteine.
Molecular consequence: missense variant.
Genome position (GRCh38, 1-based): chr7:75,985,729, C>T. VCF-style: chr7-75985729-C-T. GRCh37 (hg19) VCF-style: chr7-75615047-C-T.
Other names: c.1540C>T, p.Arg514Cys (NM_001367562.3, NM_001382657.2, NM_001382658.3 and 1 more transcripts); c.1594C>T, p.Arg532Cys (NM_001382655.3); c.1390C>T, p.Arg464Cys (NM_001382662.3); c.1549C>T (NM_000941.2); short protein forms R514C, R464C, R532C.
Identifiers: ClinVar variation 4986875 (VCV004986875.1).

ClinVar aggregate classification (germline): Uncertain significance (1 of 4 stars; one submission).

Conditions:
POR-related disorder. Also called: POR-related condition.

gnomAD v4.1: 13 of 1,588,830 alleles (0.00082%); highest among the groups gnomAD compares: African/African-American, 0.0094%; no homozygotes.

Submission:

PreventionGenetics, part of Exact Sciences
Classification: Uncertain significance for POR-related condition. Last evaluated: 2026-08-25. Review status: criteria provided, single submitter. Criteria: ACMG Guidelines, 2015. Collection method: clinical testing. Allele origin: germline.
Comment: The POR c.1549C>T variant is predicted to result in the amino acid substitution p.Arg517Cys. To our knowledge, this variant has not been reported in the literature. This variant is reported in 0.020% of alleles in individuals of African descent in gnomAD. At this time, the clinical significance of this variant is uncertain due to the absence of conclusive functional and genetic evidence.